The following is an entry in ClinVar:

NM_004409.5(DMPK):c.*224CTG[181]

Genes: DM1-AS (DM1 locus antisense RNA; plus strand), DMPK (DM1 protein kinase; minus strand), LOC107075317 (origin of replication in DMPK trinucleotide repeat region; plus strand), LOC109461477 (dystrophia myotonica protein kinase repeat instability region; plus strand). Cytogenetic location: 19q13.32.
Variant type: Microsatellite.
Coding change: c.*224CTG[181] on transcript NM_004409.5 (MANE Select); 181 copies in a row of the 3-base unit CTG starting at c.*224.
Molecular consequence: 3 prime UTR variant.
Genome position: GRCh38, VCF-style position (the base before the change): chr19:45,770,204. GRCh37 (hg19), VCF-style position (the base before the change): chr19:46,273,462.
Other names: DM1 CTG repeat expansion; c.*369CTG[181] (NM_001288766.2, NM_001424164.1, NM_001424168.1); c.*224CTG[181] (NM_001081560.3, NM_001288764.2, NM_001424165.1 and 1 more transcripts); c.*217CTG[181] (NM_001081562.3, NM_001288765.2, NM_001424162.1 and 2 more transcripts); c.*222_*224TGC[181] (NM_001081563.3).
Identifiers: ClinVar variation 187932 (VCV000187932.2), ClinGen allele CA915951728.

ClinVar aggregate classification (germline): Pathogenic (0 of 4 stars; one submission).

Conditions:
Steinert myotonic dystrophy syndrome (DM1). Also called: STEINERT DISEASE; Myotonic dystrophy type 1; Dystrophia myotonica type 1; Steinert myotonic dystrophy; Steinert's disease. Identifiers: Orphanet 273, MedGen C3250443, MONDO:0008056, OMIM 160900.

Submission:

Institute of Molecular, Cell and Systems Biology, University of Glasgow
Classification: Pathogenic for Steinert myotonic dystrophy syndrome. Review status: no assertion criteria provided. Criteria: research. Collection method: research. Allele origin: germline. Inheritance: Autosomal dominant inheritance. Affected: yes. Observed: 1 heterozygote.
Comment: DMPK CTG repeat expansions greater than approximately 45-50 repeats are assumed to be pathogenic

This record is based on data published in PubMed 25052313, which reports only ClinVar accessions SCV000120188 and SCV000120189. The complete data set includes SCV000207445 - SCV000207579.

Literature cited by the submitters: PubMed 1346923; PubMed 1546326; PubMed 25052313.